The following is an entry in ClinVar:

NM_004382.5(CRHR1):c.434+293C>A

Genes: CRHR1 (corticotropin releasing hormone receptor 1), LINC02210-CRHR1 (LINC02210-CRHR1 readthrough). Cytogenetic location: 17q21.31.
Variant type: single nucleotide variant.
Coding change: c.434+293C>A on transcript NM_004382.5 (MANE Select); 293 bases into the intron after coding-DNA position 434, C replaced by A.
Molecular consequence: intron variant. On other transcripts: missense variant (1).
Genome position (GRCh38, 1-based): chr17:45,829,614, C>A. VCF-style: chr17-45829614-C-A. GRCh37 (hg19) VCF-style: chr17-43906980-C-A.
Other names: c.488C>A, p.Ala163Asp (NM_001145146.2); c.-92+293C>A (NM_001256299.3, NM_001303018.2); c.131+293C>A (NM_001303016.1, NM_001303020.2); c.434+293C>A (NM_001145148.2); c.314+293C>A (NM_001145147.2); short protein forms A163D.
Identifiers: ClinVar variation 3034597 (VCV003034597.2), dbSNP rs576726381, ClinGen allele CA8616655.

ClinVar aggregate classification (germline): Likely benign (0 of 4 stars; one submission).

Conditions:
CRHR1-related disorder. Also called: CRHR1-related condition.

Allele frequency attached by ClinVar (database versions not stated): 1000 Genomes Project 0.00060; 1000 Genomes Project 30x 0.00062.
gnomAD v4.1: 385 of 1,551,054 alleles (0.025%); highest among the groups gnomAD compares: South Asian, 0.44%; 6 homozygotes.

Submission:

PreventionGenetics, part of Exact Sciences
Classification: Likely benign for CRHR1-related condition. Last evaluated: 2022-12-28. Review status: no assertion criteria provided. Collection method: clinical testing. Allele origin: germline.
Comment: This variant is classified as likely benign based on ACMG/AMP sequence variant interpretation guidelines (Richards et al. 2015 PMID: 25741868, with internal and published modifications).